The following is an entry in ClinVar:

ClinVar aggregate classification (germline): Uncertain significance (1 of 4 stars; one submission).

Conditions:
Neurofibromatosis, type 1 (NF1). Also called: Peripheral type neurofibromatosis; VON RECKLINGHAUSEN DISEASE; NEUROFIBROMATOSIS, TYPE I, SOMATIC; Neurofibromatosis, type I. Identifiers: Orphanet 636, MedGen C0027831, MONDO:0018975, OMIM 162200. Disease mechanism: loss of function.

Submission:

Labcorp Genetics (formerly Invitae), Labcorp
Classification: Uncertain significance for Neurofibromatosis, type 1. Last evaluated: 2022-08-19. Review status: criteria provided, single submitter. Criteria: Invitae Variant Classification Sherloc (09022015). Collection method: clinical testing. Allele origin: germline.
Comment: Advanced modeling of protein sequence and biophysical properties (such as structural, functional, and spatial information, amino acid conservation, physicochemical variation, residue mobility, and thermodynamic stability) performed at Invitae indicates that this missense variant is not expected to disrupt NF1 protein function. In summary, the available evidence is currently insufficient to determine the role of this variant in disease. Therefore, it has been classified as a Variant of Uncertain Significance. This variant has not been reported in the literature in individuals affected with NF1-related conditions. This variant is not present in population databases (gnomAD no frequency). This sequence change replaces leucine, which is neutral and non-polar, with isoleucine, which is neutral and non-polar, at codon 1725 of the NF1 protein (p.Leu1725Ile).

NM_001042492.3(NF1):c.5236C>A (p.Leu1746Ile)

Gene: NF1 (neurofibromin 1; plus strand). Cytogenetic location: 17q11.2.
Variant type: single nucleotide variant.
Coding change: c.5236C>A on transcript NM_001042492.3 (MANE Select); coding-DNA position 5236, C replaced by A.
Protein change: p.Leu1746Ile; replaces leucine 1746 with isoleucine.
Molecular consequence: missense variant.
Genome position (GRCh38, 1-based): chr17:31,326,220, C>A. VCF-style: chr17-31326220-C-A. GRCh37 (hg19) VCF-style: chr17-29653238-C-A.
Other names: c.5173C>A, p.Leu1725Ile (NM_000267.4); short protein forms L1725I, L1746I.
Identifiers: ClinVar variation 1716718 (VCV001716718.5), dbSNP rs2151539000, ClinGen allele CA399008273.